The following is an entry in ClinVar:

ClinVar aggregate classification (germline): Likely benign (0 of 4 stars; one submission).

Conditions:
MYCBP2-related disorder. Also called: MYCBP2-related condition.

Allele frequency attached by ClinVar (database versions not stated): gnomAD 0.00001.
gnomAD v4.1: 3 of 1,537,138 alleles (0.0002%); highest among the groups gnomAD compares: Non-Finnish European, 0.000087%; no homozygotes.

Submission:

PreventionGenetics, part of Exact Sciences
Classification: Likely benign for MYCBP2-related condition. Last evaluated: 2019-05-28. Review status: no assertion criteria provided. Collection method: clinical testing. Allele origin: germline.
Comment: This variant is classified as likely benign based on ACMG/AMP sequence variant interpretation guidelines (Richards et al. 2015 PMID: 25741868, with internal and published modifications).

NM_015057.5(MYCBP2):c.4444+10A>T

Gene: MYCBP2 (MYC binding protein 2; minus strand). Cytogenetic location: 13q22.3.
Variant type: single nucleotide variant.
Coding change: c.4444+10A>T on transcript NM_015057.5 (MANE Select); 10 bases into the intron after coding-DNA position 4444, A replaced by T.
Molecular consequence: intron variant.
Genome position (GRCh38, 1-based): chr13:77,185,861, T>A on the plus strand (A>T on the coding strand, the complement: MYCBP2 is on the minus strand). VCF-style: chr13-77185861-T-A. GRCh37 (hg19) VCF-style: chr13-77759996-T-A.
Identifiers: ClinVar variation 3044372 (VCV003044372.2), dbSNP rs2060668313, ClinGen allele CA957850001.